The following is an entry in ClinVar:

ClinVar aggregate classification (germline): Pathogenic/Likely pathogenic. Review status: criteria provided, multiple submitters, no conflicts (2 of 4 stars). 4 submissions from 4 submitters: Pathogenic (2); Likely pathogenic (2). Last evaluated 2025-03-20.

Conditions:
Bardet-Biedl syndrome 17 (BBS17). Identifiers: Orphanet 110, MedGen C3714980, MONDO:0014445, OMIM 615994.
LZTFL1-related disorder. Also called: LZTFL1-related condition.

Allele frequency attached by ClinVar (database versions not stated): gnomAD exomes below 0.00001; TOPMed below 0.00001; gnomAD 0.00001.
gnomAD v4.1: 3 of 1,613,942 alleles (0.00019%); highest among the groups gnomAD compares: Non-Finnish European, 0.00017%; no homozygotes.

Submissions (4):

PreventionGenetics, part of Exact Sciences
Classification: Likely pathogenic for LZTFL1-related condition. Last evaluated: 2025-03-20. Review status: criteria provided, single submitter. Criteria: ACMG Guidelines, 2015. Collection method: clinical testing. Allele origin: germline.
Comment: The LZTFL1 c.253C>T variant is predicted to result in premature protein termination (p.Arg85*). To our knowledge, this variant has not been reported in the literature. This variant is reported in 0.0065% of alleles in individuals of European (Non-Finnish) descent in gnomAD. Nonsense variants in LZTFL1 are expected to be pathogenic. This variant is interpreted as likely pathogenic.

Labcorp Genetics (formerly Invitae), Labcorp
Classification: Pathogenic. Last evaluated: 2024-04-15. Review status: criteria provided, single submitter. Criteria: Invitae Variant Classification Sherloc (09022015). Collection method: clinical testing. Allele origin: germline.
Comment: This sequence change creates a premature translational stop signal (p.Arg85*) in the LZTFL1 gene. It is expected to result in an absent or disrupted protein product. Loss-of-function variants in LZTFL1 are known to be pathogenic (PMID: 22510444, 23692385). This variant is present in population databases (no rsID available, gnomAD 0.007%). This variant has not been reported in the literature in individuals affected with LZTFL1-related conditions. ClinVar contains an entry for this variant (Variation ID: 2573036). For these reasons, this variant has been classified as Pathogenic.

Fulgent Genetics
Classification: Likely pathogenic for Bardet-Biedl syndrome 17. Last evaluated: 2024-01-22. Review status: criteria provided, single submitter. Criteria: ACMG Guidelines, 2015. Collection method: clinical testing. Allele origin: germline.

MVZ Martinsried, Medicover Genetics
Classification: Pathogenic for Bardet-Biedl syndrome 17. Last evaluated: 2023-03-10. Review status: criteria provided, single submitter. Criteria: ACGS Guidelines, 2020. Collection method: clinical testing. Allele origin: inherited. Affected: yes.

Literature cited by the submitters: PubMed 22510444 (cited by Labcorp Genetics (formerly Invitae), Labcorp); PubMed 23692385 (cited by Labcorp Genetics (formerly Invitae), Labcorp).

NM_020347.4(LZTFL1):c.253C>T (p.Arg85Ter)

Gene: LZTFL1 (leucine zipper transcription factor like 1; minus strand). Cytogenetic location: 3p21.31.
Variant type: single nucleotide variant.
Coding change: c.253C>T on transcript NM_020347.4 (MANE Select); coding-DNA position 253, C replaced by T.
Protein change: p.Arg85Ter; replaces arginine 85 with a stop codon.
Molecular consequence: nonsense. On other transcripts: non-coding transcript variant (2).
Genome position (GRCh38, 1-based): chr3:45,835,660, G>A on the plus strand (C>T on the coding strand, the complement: LZTFL1 is on the minus strand). VCF-style: chr3-45835660-G-A. GRCh37 (hg19) VCF-style: chr3-45877152-G-A.
Other names: c.241C>T, p.Arg81Ter (NM_001276379.2, NM_001405921.1); c.202C>T, p.Arg68Ter (NM_001386451.1, NM_001405922.1, NM_001405923.1 and 4 more transcripts); c.253C>T, p.Arg85Ter (NM_001386452.1, NM_001405924.1); c.277C>T, p.Arg93Ter (NM_001405920.1, NM_001405925.1); c.253C>T (NM_020347.3); short protein forms R68*, R81*, R85*, R93*.
Identifiers: ClinVar variation 2573036 (VCV002573036.5), dbSNP rs1374806070, ClinGen allele CA352453739.